The following is an entry in ClinVar:

NM_004373.4(COX6A1):c.319G>A (p.Glu107Lys)

Gene: COX6A1 (cytochrome c oxidase subunit 6A1; plus strand). Cytogenetic location: 12q24.31.
Variant type: single nucleotide variant.
Coding change: c.319G>A on transcript NM_004373.4 (MANE Select); coding-DNA position 319, G replaced by A.
Protein change: p.Glu107Lys; replaces glutamic acid 107 with lysine.
Molecular consequence: missense variant.
Genome position (GRCh38, 1-based): chr12:120,440,526, G>A. VCF-style: chr12-120440526-G-A. GRCh37 (hg19) VCF-style: chr12-120878329-G-A.
Other names: short protein forms E107K.
Identifiers: ClinVar variation 2067616 (VCV002067616.4), dbSNP rs200045442, ClinGen allele CA6828078.

ClinVar aggregate classification (germline): Uncertain significance. Review status: criteria provided, multiple submitters, no conflicts (2 of 4 stars). 2 submissions from 2 submitters: Uncertain significance (2). Last evaluated 2025-04-21.

Allele frequency attached by ClinVar (database versions not stated): gnomAD 0.00005; ExAC 0.00007; TOPMed 0.00002.
gnomAD v4.1: 70 of 1,606,974 alleles (0.0044%); highest among the groups gnomAD compares: East Asian, 0.0067%; no homozygotes.

Submissions (2):

Ambry Genetics
Classification: Uncertain significance. Last evaluated: 2025-04-21. Review status: criteria provided, single submitter. Criteria: Ambry Variant Classification Scheme 2023. Collection method: clinical testing. Allele origin: germline.

Labcorp Genetics (formerly Invitae), Labcorp
Classification: Uncertain significance. Last evaluated: 2024-01-02. Review status: criteria provided, single submitter. Criteria: Invitae Variant Classification Sherloc (09022015). Collection method: clinical testing. Allele origin: germline.
Comment: This sequence change replaces glutamic acid, which is acidic and polar, with lysine, which is basic and polar, at codon 107 of the COX6A1 protein (p.Glu107Lys). This variant is present in population databases (rs200045442, gnomAD 0.03%). This variant has not been reported in the literature in individuals affected with COX6A1-related conditions. ClinVar contains an entry for this variant (Variation ID: 2067616). An algorithm developed to predict the effect of missense changes on protein structure and function (PolyPhen-2) suggests that this variant is likely to be disruptive. Algorithms developed to predict the effect of sequence changes on RNA splicing suggest that this variant may disrupt the consensus splice site. In summary, the available evidence is currently insufficient to determine the role of this variant in disease. Therefore, it has been classified as a Variant of Uncertain Significance.